The following is an entry in ClinVar:

ClinVar aggregate classification (germline): Uncertain significance (1 of 4 stars; one submission).

Conditions:
Muscle AMP deaminase deficiency (MMDD). Also called: ADENOSINE MONOPHOSPHATE DEAMINASE-1 DEFICIENCY, MYOPATHY DUE TO; AMPD1 DEFICIENCY; Myoadenylate deaminase deficiency, myopathy due to; Adenosine monophosphate deaminase 1 deficiency; AMP deaminase 1 deficiency; Adenosine Monophosphate Deaminase 1. Identifiers: Orphanet 45, MedGen C3714933, MONDO:0014220, OMIM 615511.

Allele frequency attached by ClinVar (database versions not stated): gnomAD exomes below 0.00001 and 0.00001; ExAC 0.00001.
gnomAD v4.1: 4 of 1,609,870 alleles (0.00025%); highest among the groups gnomAD compares: Non-Finnish European, 0.00034%; no homozygotes.

Submission:

Labcorp Genetics (formerly Invitae), Labcorp
Classification: Uncertain significance for Muscle AMP deaminase deficiency. Last evaluated: 2022-08-31. Review status: criteria provided, single submitter. Criteria: Invitae Variant Classification Sherloc (09022015). Collection method: clinical testing. Allele origin: germline.
Comment: In summary, the available evidence is currently insufficient to determine the role of this variant in disease. Therefore, it has been classified as a Variant of Uncertain Significance. Algorithms developed to predict the effect of missense changes on protein structure and function (SIFT, PolyPhen-2, Align-GVGD) all suggest that this variant is likely to be disruptive. ClinVar contains an entry for this variant (Variation ID: 1365626). This variant has not been reported in the literature in individuals affected with AMPD1-related conditions. This variant is present in population databases (rs746166547, gnomAD 0.0009%). This sequence change replaces arginine, which is basic and polar, with glycine, which is neutral and non-polar, at codon 494 of the AMPD1 protein (p.Arg494Gly).

NM_000036.3(AMPD1):c.1381A>G (p.Arg461Gly)

Gene: AMPD1 (adenosine monophosphate deaminase 1; minus strand). Cytogenetic location: 1p13.2.
Variant type: single nucleotide variant.
Coding change: c.1381A>G on transcript NM_000036.3 (MANE Select); coding-DNA position 1381, A replaced by G.
Protein change: p.Arg461Gly; replaces arginine 461 with glycine.
Molecular consequence: missense variant.
Genome position (GRCh38, 1-based): chr1:114,677,358, T>C on the plus strand (A>G on the coding strand, the complement: AMPD1 is on the minus strand). VCF-style: chr1-114677358-T-C. GRCh37 (hg19) VCF-style: chr1-115219979-T-C.
Other names: c.1369A>G, p.Arg457Gly (NM_001172626.2); short protein forms R461G, R457G.
Identifiers: ClinVar variation 1365626 (VCV001365626.5), dbSNP rs746166547, ClinGen allele CA1020144.